The following is an entry in ClinVar:

NM_000138.5(FBN1):c.5395T>C (p.Tyr1799His)

Gene: FBN1 (fibrillin 1; minus strand). Cytogenetic location: 15q21.1.
Variant type: single nucleotide variant.
Coding change: c.5395T>C on transcript NM_000138.5 (MANE Select); coding-DNA position 5395, T replaced by C.
Protein change: p.Tyr1799His; replaces tyrosine 1799 with histidine.
Molecular consequence: missense variant.
Genome position (GRCh38, 1-based): chr15:48,456,664, A>G on the plus strand (T>C on the coding strand, the complement: FBN1 is on the minus strand). VCF-style: chr15-48456664-A-G. GRCh37 (hg19) VCF-style: chr15-48748861-A-G.
Other names: c.5395T>C, p.Tyr1799His (NM_001406716.1); short protein forms Y1799H.
Identifiers: ClinVar variation 2672587 (VCV002672587.23), dbSNP rs2505478920, ClinGen allele CA392345902.

ClinVar aggregate classification (germline): Uncertain significance (1 of 4 stars; one submission).

Submission:

CeGaT Center for Human Genetics Tuebingen
Classification: Uncertain significance. Last evaluated: 2023-11-01. Review status: criteria provided, single submitter. Criteria: CeGaT Center For Human Genetics Tuebingen Variant Classification Criteria Version 2. Collection method: clinical testing. Allele origin: germline. Affected: yes. Observed: 1 variant allele.
Comment: FBN1: PM2, PP3